The following is an entry in ClinVar:

NM_015559.3(SETBP1):c.1228T>C (p.Ser410Pro)

Gene: SETBP1 (SET binding protein 1; plus strand). Cytogenetic location: 18q12.3.
Variant type: single nucleotide variant.
Coding change: c.1228T>C on transcript NM_015559.3 (MANE Select); coding-DNA position 1228, T replaced by C.
Protein change: p.Ser410Pro; replaces serine 410 with proline.
Molecular consequence: missense variant.
Genome position (GRCh38, 1-based): chr18:44,950,568, T>C. VCF-style: chr18-44950568-T-C. GRCh37 (hg19) VCF-style: chr18-42530533-T-C.
Other names: c.1228T>C, p.Ser410Pro (NM_001379141.1, NM_001379142.1); c.1228T>C (NM_015559.2); short protein forms S410P.
Identifiers: ClinVar variation 1441906 (VCV001441906.9), dbSNP rs750762528, ClinGen allele CA8945582.

ClinVar aggregate classification (germline): Conflicting classifications of pathogenicity. Review status: criteria provided, conflicting classifications (1 of 4 stars). 3 submissions from 3 submitters: Uncertain significance (1); Benign (1). 1 of the submissions does not count toward it. Last evaluated 2025-06-25.

Conditions:
SETBP1-related disorder. Also called: SETBP1-related condition; SETBP1-related disorders.
Inborn genetic diseases. Identifiers: MedGen C0950123, MeSH D030342.

Allele frequency attached by ClinVar (database versions not stated): ExAC 0.00002; gnomAD exomes 0.00002; gnomAD 0.00003; TOPMed 0.00004.
gnomAD v4.1: 33 of 1,613,876 alleles (0.002%); highest among the groups gnomAD compares: South Asian, 0.0044%; no homozygotes.

Submissions (3):

Labcorp Genetics (formerly Invitae), Labcorp
Classification: Benign. Last evaluated: 2025-06-25. Review status: criteria provided, single submitter. Criteria: Invitae Variant Classification Sherloc (09022015). Collection method: clinical testing. Allele origin: germline.

Ambry Genetics
Classification: Uncertain significance for Inborn genetic diseases. Last evaluated: 2025-03-31. Review status: criteria provided, single submitter. Criteria: Ambry Variant Classification Scheme 2023. Collection method: clinical testing. Allele origin: germline.

PreventionGenetics, part of Exact Sciences
Classification: Uncertain significance for SETBP1-related condition. Last evaluated: 2023-11-27. Review status: no assertion criteria provided. Collection method: clinical testing. Allele origin: germline. Not counted in ClinVar's aggregate classification.
Comment: The SETBP1 c.1228T>C variant is predicted to result in the amino acid substitution p.Ser410Pro. To our knowledge, this variant has not been reported in the literature. This variant is reported in 0.0033% of alleles in individuals of South Asian descent in gnomAD. At this time, the clinical significance of this variant is uncertain due to the absence of conclusive functional and genetic evidence.